The following is an entry in ClinVar:

NM_001001671.4(MAP3K15):c.791C>T (p.Ala264Val)

Gene: MAP3K15 (mitogen-activated protein kinase kinase kinase 15; minus strand). Cytogenetic location: Xp22.12.
Variant type: single nucleotide variant.
Coding change: c.791C>T on transcript NM_001001671.4 (MANE Select); coding-DNA position 791, C replaced by T.
Protein change: p.Ala264Val; replaces alanine 264 with valine.
Molecular consequence: missense variant.
Genome position (GRCh38, 1-based): chrX:19,460,082, G>A on the plus strand (C>T on the coding strand, the complement: MAP3K15 is on the minus strand). VCF-style: chrX-19460082-G-A. GRCh37 (hg19) VCF-style: chrX-19478200-G-A.
Other names: short protein forms A264V.
Identifiers: ClinVar variation 3052142 (VCV003052142.2), dbSNP rs755751423, ClinGen allele CA10364243.

ClinVar aggregate classification (germline): Likely benign (0 of 4 stars; one submission).

Conditions:
MAP3K15-related disorder. Also called: MAP3K15-related condition.

Allele frequency attached by ClinVar (database versions not stated): TOPMed 0.00003; gnomAD 0.00005; gnomAD exomes 0.00025; ExAC 0.00030.
gnomAD v4.1: 267 of 1,193,642 alleles (0.022%); highest among the groups gnomAD compares: South Asian, 0.26%; 1 homozygote.

Submission:

PreventionGenetics, part of Exact Sciences
Classification: Likely benign for MAP3K15-related condition. Last evaluated: 2022-10-27. Review status: no assertion criteria provided. Collection method: clinical testing. Allele origin: germline.
Comment: This variant is classified as likely benign based on ACMG/AMP sequence variant interpretation guidelines (Richards et al. 2015 PMID: 25741868, with internal and published modifications).